The following is an entry in ClinVar:

ClinVar aggregate classification (germline): Uncertain significance. Review status: criteria provided, multiple submitters, no conflicts (2 of 4 stars). 2 submissions from 2 submitters: Uncertain significance (2). Last evaluated 2024-12-02.

Conditions:
Inborn genetic diseases. Identifiers: MedGen C0950123, MeSH D030342.
Cenani-Lenz syndactyly syndrome. Also called: SYNDACTYLY, TYPE VII; CENANI SYNDACTYLISM. Identifiers: Orphanet 3258, MedGen C1859309, MONDO:0008931, OMIM 212780.
Sclerosteosis 2 (SOST2). Identifiers: Orphanet 3152, MedGen C3280402, MONDO:0013679, OMIM 614305.
Congenital myasthenic syndrome 17. Identifiers: Orphanet 590, MedGen C4225377, MONDO:0014578, OMIM 616304.

Allele frequency attached by ClinVar (database versions not stated): gnomAD exomes below 0.00001; TOPMed 0.00002.
gnomAD v4.1: 1 of 1,614,110 alleles (0.000062%); highest among the groups gnomAD compares: South Asian, 0.0011%; no homozygotes.

Submissions (2):

Labcorp Genetics (formerly Invitae), Labcorp
Classification: Uncertain significance for Cenani-Lenz syndactyly syndrome; Sclerosteosis 2; Congenital myasthenic syndrome 17. Last evaluated: 2024-12-02. Review status: criteria provided, single submitter. Criteria: Invitae Variant Classification Sherloc (09022015). Collection method: clinical testing. Allele origin: germline.
Comment: This sequence change replaces proline, which is neutral and non-polar, with arginine, which is basic and polar, at codon 1001 of the LRP4 protein (p.Pro1001Arg). This variant is not present in population databases (gnomAD no frequency). This variant has not been reported in the literature in individuals affected with LRP4-related conditions. ClinVar contains an entry for this variant (Variation ID: 2032985). An algorithm developed to predict the effect of missense changes on protein structure and function (PolyPhen-2) suggests that this variant¬¨‚Ä†is likely to be tolerated. In summary, the available evidence is currently insufficient to determine the role of this variant in disease. Therefore, it has been classified as a Variant of Uncertain Significance.

Ambry Genetics
Classification: Uncertain significance for Inborn genetic diseases. Last evaluated: 2023-11-09. Review status: criteria provided, single submitter. Criteria: Ambry Variant Classification Scheme 2023. Collection method: clinical testing. Allele origin: germline.

NM_002334.4(LRP4):c.3002C>G (p.Pro1001Arg)

Gene: LRP4 (LDL receptor related protein 4; minus strand). Cytogenetic location: 11p11.2.
Variant type: single nucleotide variant.
Coding change: c.3002C>G on transcript NM_002334.4 (MANE Select); coding-DNA position 3002, C replaced by G.
Protein change: p.Pro1001Arg; replaces proline 1001 with arginine.
Molecular consequence: missense variant.
Genome position (GRCh38, 1-based): chr11:46,879,128, G>C on the plus strand (C>G on the coding strand, the complement: LRP4 is on the minus strand). VCF-style: chr11-46879128-G-C. GRCh37 (hg19) VCF-style: chr11-46900679-G-C.
Other names: c.3002C>G (NM_002334.3); short protein forms P1001R.
Identifiers: ClinVar variation 2032985 (VCV002032985.4), dbSNP rs1190359818, ClinGen allele CA380277115.